The following is an entry in ClinVar:

ClinVar aggregate classification (germline): Uncertain significance (1 of 4 stars; one submission).

Allele frequency attached by ClinVar (database versions not stated): gnomAD exomes below 0.00001; TOPMed below 0.00001; gnomAD 0.00001.
gnomAD v4.1: 3 of 1,612,354 alleles (0.00019%); highest among the groups gnomAD compares: Admixed American, 0.005%; no homozygotes.

Submission:

Labcorp Genetics (formerly Invitae), Labcorp
Classification: Uncertain significance. Last evaluated: 2024-10-28. Review status: criteria provided, single submitter. Criteria: Invitae Variant Classification Sherloc (09022015). Collection method: clinical testing. Allele origin: germline.
Comment: This sequence change replaces aspartic acid, which is acidic and polar, with valine, which is neutral and non-polar, at codon 838 of the AEBP1 protein (p.Asp838Val). This variant is present in population databases (no rsID available, gnomAD 0.003%). This variant has not been reported in the literature in individuals affected with AEBP1-related conditions. ClinVar contains an entry for this variant (Variation ID: 1354649). An algorithm developed to predict the effect of missense changes on protein structure and function (PolyPhen-2) suggests that this variant is likely to be disruptive. In summary, the available evidence is currently insufficient to determine the role of this variant in disease. Therefore, it has been classified as a Variant of Uncertain Significance.

NM_001129.5(AEBP1):c.2513A>T (p.Asp838Val)

Gene: AEBP1 (AE binding protein 1; plus strand). Cytogenetic location: 7p13.
Variant type: single nucleotide variant.
Coding change: c.2513A>T on transcript NM_001129.5 (MANE Select); coding-DNA position 2513, A replaced by T.
Protein change: p.Asp838Val; replaces aspartic acid 838 with valine.
Molecular consequence: missense variant.
Genome position (GRCh38, 1-based): chr7:44,112,853, A>T. VCF-style: chr7-44112853-A-T. GRCh37 (hg19) VCF-style: chr7-44152452-A-T.
Other names: short protein forms D838V.
Identifiers: ClinVar variation 1354649 (VCV001354649.4), dbSNP rs1380578814, ClinGen allele CA367371499.